The following is an entry in ClinVar:

ClinVar aggregate classification (germline): Pathogenic (3 of 4 stars; one submission).

Conditions:
RPGR-related retinopathy. Also called: RPGR retinopathy. Identifiers: MedGen CN305589, MONDO:0100437.

Submission:

ClinGen X-linked Inherited Retinal Disease Variant Curation Expert Panel, ClinGen
Classification: Pathogenic for RPGR-related retinopathy. Last evaluated: 2025-09-06. Review status: reviewed by expert panel. Criteria: ClinGen X LinkedIRD ACMG Specifications RPGR V1.0.0. Collection method: curation. Allele origin: germline. Inheritance: X-linked inheritance.
Comment: NM_001034853.2(RPGR):c.3001G>T (p.Glu1001Ter) is a nonsense variant that introduces a premature stop in codon 1001 within exon 15 of 15 that is predicted to disrupt a critical C-terminal region required for proper glutamylation of RPGR (PVS1, PMID: 36445968). This variant is absent from gnomAD v4.1.0 (PM2_Supporting). At least one proband harboring this variant exhibits a phenotype including presentation with night blindness (0.5 pts) with onset at age 5 years (1 pt), reduced visual acuity (0.5 pts), diminished electroretinogram responses from rods, fundus appearance showing pigment deposits (0.5 pts), visual field constriction (0.5 pts), optic disc pallor (0.5 pts), severe macular degeneration, artery attenuation, and genotyping by next-generation sequencing with a 483-gene panel showing no alternative basis for inherited retinal disease (2 pts), which together are specific for RPGR-related retinopathy (5.5 points, PMID: 36276946, PP4). The variant has been reported to segregate with retinal dystrophy through at least 5 affected meioses from 1 family (PP1_Moderate; PMID: 36276946). In summary, this variant is classified as pathogenic for RPGR-related retinopathy based on the ClinGen X-linked Inherited Retinal Disease Expert Panel Specifications to the ACMG/AMP Variant Interpretation Guidelines for RPGR Version 1.0.0; PVS1, PM2_Supporting, PP1_Moderate, and PP4.

NM_001034853.2(RPGR):c.3001G>T (p.Glu1001Ter)

Gene: RPGR (retinitis pigmentosa GTPase regulator; minus strand). Cytogenetic location: Xp11.4.
Variant type: single nucleotide variant.
Coding change: c.3001G>T on transcript NM_001034853.2 (MANE Select); coding-DNA position 3001, G replaced by T.
Protein change: p.Glu1001Ter; replaces glutamic acid 1001 with a stop codon.
Molecular consequence: nonsense. On other transcripts: intron variant (8).
Genome position (GRCh38, 1-based): chrX:38,285,998, C>A on the plus strand (G>T on the coding strand, the complement: RPGR is on the minus strand). VCF-style: chrX-38285998-C-A. GRCh37 (hg19) VCF-style: chrX-38145251-C-A.
Other names: NM_001034853.2:c.3001G>T; c.1569+4961G>T (NM_001367249.1, NM_001367250.1); c.1902+1096G>T (NM_001367245.1); c.1386+4961G>T (NM_001367251.1); c.1719+1096G>T (NM_001367246.1); c.1572+4961G>T (NM_001367247.1); c.1905+1096G>T (NM_000328.3); c.1602+4961G>T (NM_001367248.1); short protein forms E1001*.
Identifiers: ClinVar variation 4082179 (VCV004082179.1).